The following is an entry in ClinVar:

NM_001166114.2(PNPLA6):c.3990C>T (p.Pro1330=)

Gene: PNPLA6 (patatin like domain 6, lysophospholipase; plus strand). Cytogenetic location: 19p13.2.
Variant type: single nucleotide variant.
Coding change: c.3990C>T on transcript NM_001166114.2 (MANE Select); coding-DNA position 3990, C replaced by T.
Protein change: p.Pro1330=; no amino-acid change (proline 1330 retained).
Molecular consequence: synonymous variant.
Genome position (GRCh38, 1-based): chr19:7,561,284, C>T. VCF-style: chr19-7561284-C-T. GRCh37 (hg19) VCF-style: chr19-7626170-C-T.
Other names: p.Pro1292=; c.4020C>T, p.Pro1340= (NM_001166111.2); c.3795C>T, p.Pro1265= (NM_001166112.2); c.3876C>T, p.Pro1292= (NM_001166113.1, NM_006702.5).
Identifiers: ClinVar variation 893475 (VCV000893475.12), dbSNP rs535388759, ClinGen allele CA9140658.

ClinVar aggregate classification (germline): Conflicting classifications of pathogenicity. Review status: criteria provided, conflicting classifications (1 of 4 stars). 3 submissions from 3 submitters: Uncertain significance (1); Likely benign (2). Last evaluated 2025-08-11.

Conditions:
Hereditary spastic paraplegia 39 (SPG39). Also called: SPASTIC PARAPLEGIA 39, AUTOSOMAL RECESSIVE; Spastic Paraplegia Type 39 (SPG39). Identifiers: Orphanet 139480, MedGen C2677586, MONDO:0012787, OMIM 612020.

Allele frequency attached by ClinVar (database versions not stated): gnomAD 0.00003 and 0.00004; gnomAD exomes 0.00004; ExAC 0.00006; TOPMed 0.00011; 1000 Genomes Project 0.00020; 1000 Genomes Project 30x 0.00031.
gnomAD v4.1: 52 of 1,608,642 alleles (0.0032%); highest among the groups gnomAD compares: Admixed American, 0.027%; no homozygotes.

Submissions (3):

Labcorp Genetics (formerly Invitae), Labcorp
Classification: Likely benign for Hereditary spastic paraplegia 39. Last evaluated: 2025-08-11. Review status: criteria provided, single submitter. Criteria: Invitae Variant Classification Sherloc (09022015). Collection method: clinical testing. Allele origin: germline.

Mayo Clinic Laboratories, Mayo Clinic
Classification: Likely benign. Last evaluated: 2025-03-26. Review status: criteria provided, single submitter. Criteria: ACMG Guidelines, 2015. Collection method: clinical testing. Allele origin: germline. Observed: 1 variant allele.
Comment: BP4, BP7

Illumina Laboratory Services, Illumina
Classification: Uncertain significance for Hereditary spastic paraplegia 39. Last evaluated: 2018-01-13. Review status: criteria provided, single submitter. Criteria: ICSL Variant Classification Criteria 13 December 2019. Collection method: clinical testing. Allele origin: germline.